The following is an entry in ClinVar:

ClinVar aggregate classification (germline): Uncertain significance. Review status: criteria provided, multiple submitters, no conflicts (2 of 4 stars). 5 submissions from 4 submitters: Uncertain significance (5). Last evaluated 2022-12-17.

Conditions:
Muscular dystrophy-dystroglycanopathy (congenital with brain and eye anomalies), type A6. Also called: MUSCULAR DYSTROPHY-DYSTROGLYCANOPATHY (CONGENITAL WITH BRAIN AND EYE ANOMALIES), TYPE A, 6; WALKER-WARBURG SYNDROME OR MUSCLE-EYE-BRAIN DISEASE, LARGE-RELATED. Identifiers: Orphanet 588, Orphanet 899, MedGen C3150414, MONDO:0013158, OMIM 613154.
Muscular dystrophy-dystroglycanopathy type B6 (MDDGB6). Also called: MUSCULAR DYSTROPHY, CONGENITAL, LARGE-RELATED; MUSCULAR DYSTROPHY, CONGENITAL, TYPE 1D; MUSCULAR DYSTROPHY-DYSTROGLYCANOPATHY (CONGENITAL WITH IMPAIRED INTELLECTUAL DEVELOPMENT), TYPE B, 6. Identifiers: MedGen C1837229, MONDO:0012138, OMIM 608840.

Allele frequency attached by ClinVar (database versions not stated): ExAC 0.00002; gnomAD exomes 0.00002 and 0.00003; TOPMed 0.00002; gnomAD 0.00004.
gnomAD v4.1: 43 of 1,613,824 alleles (0.0027%); highest among the groups gnomAD compares: Middle Eastern, 0.082%; no homozygotes.

Submissions (5):

Dubai Health Genomic Medicine Center, Dubai Health
Classification: Uncertain significance. Last evaluated: 2022-12-17. Review status: criteria provided, single submitter. Criteria: ACMG Guidelines, 2015. Collection method: clinical testing. Allele origin: germline. Affected: yes.

Labcorp Genetics (formerly Invitae), Labcorp
Classification: Uncertain significance for Muscular dystrophy-dystroglycanopathy type B6. Last evaluated: 2022-02-04. Review status: criteria provided, single submitter. Criteria: Invitae Variant Classification Sherloc (09022015). Collection method: clinical testing. Allele origin: germline.
Comment: This sequence change replaces arginine, which is basic and polar, with glutamine, which is neutral and polar, at codon 9 of the LARGE1 protein (p.Arg9Gln). This variant is present in population databases (rs763697782, gnomAD 0.01%). This variant has not been reported in the literature in individuals affected with LARGE1-related conditions. ClinVar contains an entry for this variant (Variation ID: 341439). Algorithms developed to predict the effect of missense changes on protein structure and function (SIFT, PolyPhen-2, Align-GVGD) all suggest that this variant is likely to be tolerated. In summary, the available evidence is currently insufficient to determine the role of this variant in disease. Therefore, it has been classified as a Variant of Uncertain Significance.

Illumina Laboratory Services, Illumina
Classification: Uncertain significance for Muscular dystrophy-dystroglycanopathy type B6. Last evaluated: 2018-01-12. Review status: criteria provided, single submitter. Criteria: ICSL Variant Classification Criteria 13 December 2019. Collection method: clinical testing. Allele origin: germline.

Illumina Laboratory Services, Illumina
Classification: Uncertain significance for Muscular dystrophy-dystroglycanopathy (congenital with brain and eye anomalies), type A6. Last evaluated: 2018-01-12. Review status: criteria provided, single submitter. Criteria: ICSL Variant Classification Criteria 13 December 2019. Collection method: clinical testing. Allele origin: germline.

Genetic Services Laboratory, University of Chicago
Classification: Uncertain significance. Last evaluated: 2015-09-18. Review status: criteria provided, single submitter. Criteria: ACMG Guidelines, 2015. Collection method: clinical testing. Allele origin: germline. Affected: no.

NM_133642.5(LARGE1):c.26G>A (p.Arg9Gln)

Gene: LARGE1 (LARGE xylosyl- and glucuronyltransferase 1; minus strand). Cytogenetic location: 22q12.3.
Variant type: single nucleotide variant.
Coding change: c.26G>A on transcript NM_133642.5 (MANE Select); coding-DNA position 26, G replaced by A.
Protein change: p.Arg9Gln; replaces arginine 9 with glutamine.
Molecular consequence: missense variant.
Genome position (GRCh38, 1-based): chr22:33,761,451, C>T on the plus strand (G>A on the coding strand, the complement: LARGE1 is on the minus strand). VCF-style: chr22-33761451-C-T. GRCh37 (hg19) VCF-style: chr22-34157438-C-T.
Other names: c.26G>A, p.Arg9Gln (NM_001362949.2, NM_001362951.2, NM_001362953.2 and 7 more transcripts); short protein forms R9Q.
Identifiers: ClinVar variation 341439 (VCV000341439.16), dbSNP rs763697782, ClinGen allele CA10203182.